The following is an entry in ClinVar:

NM_001267550.2(TTN):c.73402del (p.Glu24468fs)

Genes: TTN-AS1 (TTN antisense RNA 1; plus strand), TTN (titin; minus strand). Cytogenetic location: 2q31.2.
Variant type: Deletion.
Coding change: c.73402del on transcript NM_001267550.2 (MANE Select); coding-DNA position 73402, one base deleted (G; older notation c.73402delG).
Protein change: p.Glu24468fs; shifts the reading frame from glutamic acid 24468.
Molecular consequence: frameshift variant.
Genome position (GRCh38, 1-based): chr2:178,572,730, C deleted on the plus strand (G on the coding strand, the reverse complement: TTN is on the minus strand). VCF-style (leftmost placement, unchanged base first): chr2-178572729-TC-T. GRCh37 (hg19) VCF-style: chr2-179437456-TC-T.
Other names: c.68479del, p.Glu22827fs (NM_001256850.1); c.46207del, p.Glu15403fs (NM_003319.4); c.65698del, p.Glu21900fs (NM_133378.4); c.46582del, p.Glu15528fs (NM_133432.3); c.46783del, p.Glu15595fs (NM_133437.4); short protein forms E15403fs, E15528fs, E15595fs, E21900fs, E22827fs, E24468fs.
Identifiers: ClinVar variation 3757160 (VCV003757160.2).

ClinVar aggregate classification (germline): Likely pathogenic (1 of 4 stars; one submission).

Conditions:
Dilated cardiomyopathy 1G (CMD1G). Identifiers: Orphanet 154, MedGen C1858763, MONDO:0011400, OMIM 604145.
Autosomal recessive limb-girdle muscular dystrophy type 2J (LGMDR10). Also called: Limb-girdle muscular dystrophy, type 2J; MUSCULAR DYSTROPHY, LIMB-GIRDLE, AUTOSOMAL RECESSIVE 10. Identifiers: Orphanet 140922, MedGen C1837342, MONDO:0012127, OMIM 608807.

Submission:

Labcorp Genetics (formerly Invitae), Labcorp
Classification: Likely pathogenic for Dilated cardiomyopathy 1G; Autosomal recessive limb-girdle muscular dystrophy type 2J. Last evaluated: 2024-07-06. Review status: criteria provided, single submitter. Criteria: Invitae Variant Classification Sherloc (09022015). Collection method: clinical testing. Allele origin: germline.
Comment: This sequence change creates a premature translational stop signal (p.Glu24468Asnfs*3) in the TTN gene. While this is not anticipated to result in nonsense mediated decay, it is expected to create a truncated TTN protein. This variant is not present in population databases (gnomAD no frequency). This premature translational stop signal has been observed in individual(s) with TTN-related conditions (Invitae). This variant is located in the A band of TTN (PMID: 25589632). Truncating variants in this region are significantly overrepresented in patients affected with dilated cardiomyopathy (PMID: 25589632). Truncating variants in this region have also been reported in individuals affected with autosomal recessive centronuclear myopathy (PMID: 23975875). In summary, the currently available evidence indicates that the variant is pathogenic, but additional data are needed to prove that conclusively. Therefore, this variant has been classified as Likely Pathogenic.

Literature cited by the submitters: PubMed 25589632; PubMed 23975875.